The following is an entry in ClinVar:

ClinVar aggregate classification (germline): Uncertain significance (1 of 4 stars; one submission).

Conditions:
Blepharophimosis, ptosis, and epicanthus inversus syndrome. Identifiers: Orphanet 126, MedGen C0220663, MONDO:0007201, OMIM 110100.

Submission:

3billion
Classification: Uncertain significance for Blepharophimosis, ptosis, and epicanthus inversus syndrome. Last evaluated: 2025-02-20. Review status: criteria provided, single submitter. Criteria: ACMG Guidelines, 2015. Collection method: clinical testing. Allele origin: germline. Affected: yes.
Comment: The variant is not observed in the gnomAD v4.1.0 dataset. Predicted Consequence/Location: The variant is located in a mutational hot spot and/or well-established functional domain in which established pathogenic variants have been reported. In silico tool predictions suggest damaging effect of the variant on gene or gene product [REVEL: 0.96 (>=0.6, sensitivity 0.68 and specificity 0.92); 3Cnet: 0.95 (>=0.6, sensitivity 0.72 and precision 0.9)]. Therefore, this variant is classified as VUS according to the recommendation of ACMG/AMP guideline.

NM_023067.4(FOXL2):c.167C>G (p.Pro56Arg)

Gene: FOXL2 (forkhead box L2; minus strand). Cytogenetic location: 3q22.3.
Variant type: single nucleotide variant.
Coding change: c.167C>G on transcript NM_023067.4 (MANE Select); coding-DNA position 167, C replaced by G.
Protein change: p.Pro56Arg; replaces proline 56 with arginine.
Molecular consequence: missense variant.
Genome position (GRCh38, 1-based): chr3:138,946,556, G>C on the plus strand (C>G on the coding strand, the complement: FOXL2 is on the minus strand). VCF-style: chr3-138946556-G-C. GRCh37 (hg19) VCF-style: chr3-138665398-G-C.
Other names: short protein forms P56R.
Identifiers: ClinVar variation 4292229 (VCV004292229.1).
Genomic context (GRCh38, chr3:138,946,556, plus strand): 5'-GTGAGCCTCTTCTCCGCGCTCTCGCGGATCGCCATGGCGATGAGCGCCACGTACGAGTAC[G>C]GGGGCTTCTGCGCCGGGTCCGGCTTCTCCGGGGCTGTCCCGCCGCCACCCCCACCGCCCT-3'
Protein context (NP_075555.1, residues 46-66): PEKPDPAQKP[Pro56Arg]YSYVALIAMA